The following is an entry in ClinVar:

ClinVar aggregate classification (germline): Uncertain significance (1 of 4 stars; one submission).

Conditions:
Glycine encephalopathy. Also called: Non-ketotic hyperglycinemia; Nonketotic hyperglycinemia. Identifiers: Orphanet 407, MedGen C0751748, MONDO:0011612, HP:0008288.

Allele frequency attached by ClinVar (database versions not stated): TOPMed below 0.00001.
gnomAD v4.1: 4 of 1,487,552 alleles (0.00027%); highest among the groups gnomAD compares: Non-Finnish European, 0.00036%; no homozygotes.

Submission:

Labcorp Genetics (formerly Invitae), Labcorp
Classification: Uncertain significance for Glycine encephalopathy. Last evaluated: 2023-08-10. Review status: criteria provided, single submitter. Criteria: Invitae Variant Classification Sherloc (09022015). Collection method: clinical testing. Allele origin: germline.
Comment: In summary, the available evidence is currently insufficient to determine the role of this variant in disease. Therefore, it has been classified as a Variant of Uncertain Significance. Algorithms developed to predict the effect of missense changes on protein structure and function output the following: SIFT: "Not Available"; PolyPhen-2: "Benign"; Align-GVGD: "Not Available". The leucine amino acid residue is found in multiple mammalian species, which suggests that this missense change does not adversely affect protein function. ClinVar contains an entry for this variant (Variation ID: 1720626). This variant has not been reported in the literature in individuals affected with GLDC-related conditions. The frequency data for this variant in the population databases is considered unreliable, as metrics indicate poor data quality at this position in the gnomAD database. This sequence change replaces proline, which is neutral and non-polar, with leucine, which is neutral and non-polar, at codon 32 of the GLDC protein (p.Pro32Leu).

NM_000170.3(GLDC):c.95C>T (p.Pro32Leu)

Gene: GLDC (glycine decarboxylase; minus strand). Cytogenetic location: 9p24.1.
Variant type: single nucleotide variant.
Coding change: c.95C>T on transcript NM_000170.3 (MANE Select); coding-DNA position 95, C replaced by T.
Protein change: p.Pro32Leu; replaces proline 32 with leucine.
Molecular consequence: missense variant.
Genome position (GRCh38, 1-based): chr9:6,645,405, G>A on the plus strand (C>T on the coding strand, the complement: GLDC is on the minus strand). VCF-style: chr9-6645405-G-A. GRCh37 (hg19) VCF-style: chr9-6645405-G-A.
Other names: short protein forms P32L.
Identifiers: ClinVar variation 1720626 (VCV001720626.6), dbSNP rs1194585396, ClinGen allele CA372887165.